The following is an entry in ClinVar:

ClinVar aggregate classification (germline): Uncertain significance (1 of 4 stars; one submission).

Conditions:
Hypertrophic cardiomyopathy 1 (CMH1). Also called: MYH7-Related Familial Hypertrophic Cardiomyopathy; Familial hypertrophic cardiomyopathy 1. Identifiers: MedGen C3495498, MONDO:0008647, OMIM 192600.

Submission:

Labcorp Genetics (formerly Invitae), Labcorp
Classification: Uncertain significance for Hypertrophic cardiomyopathy 1. Last evaluated: 2022-04-30. Review status: criteria provided, single submitter. Criteria: Invitae Variant Classification Sherloc (09022015). Collection method: clinical testing. Allele origin: germline.
Comment: In summary, the available evidence is currently insufficient to determine the role of this variant in disease. Therefore, it has been classified as a Variant of Uncertain Significance. This variant has not been reported in the literature in individuals affected with MYLK2-related conditions. This variant is not present in population databases (gnomAD no frequency). This sequence change creates a premature translational stop signal (p.Asn5Lysfs*5) in the MYLK2 gene. It is expected to result in an absent or disrupted protein product. However, the current clinical and genetic evidence is not sufficient to establish whether loss-of-function variants in MYLK2 cause disease.

NM_033118.4(MYLK2):c.14dup (p.Asn5fs)

Gene: MYLK2 (myosin light chain kinase 2; plus strand). Cytogenetic location: 20q11.21.
Variant type: Duplication.
Coding change: c.14dup on transcript NM_033118.4 (MANE Select); coding-DNA position 14, one base duplicated (A; older notation c.14dupA).
Protein change: p.Asn5fs; shifts the reading frame from asparagine 5.
Molecular consequence: frameshift variant.
Genome position (GRCh38, 1-based): chr20:31,819,594, A duplicated; the last of 4 consecutive A bases (chr20:31,819,591-31,819,594); duplicating any one gives the same sequence. VCF-style (leftmost placement, unchanged base first): chr20-31819590-G-GA. GRCh37 (hg19) VCF-style: chr20-30407393-G-GA.
Other names: short protein forms N5fs.
Identifiers: ClinVar variation 1371508 (VCV001371508.6), dbSNP rs1251172824, ClinGen allele CA743586455.
Genomic context (GRCh38, chr20:31,819,590, plus strand): 5'-CAGCTAGAAAGACTTGAGTTAGACAAGCAGCAGCACACGCCTCCCTACCTCATGGCGACA[G>GA]AAAATGGAGCAGTTGAGCTGGGAATTCAGAACCCATCAACAGGTGCCAAGCTGGGGCAGG-3'